The following is an entry in ClinVar:

ClinVar aggregate classification (germline): Uncertain significance (1 of 4 stars; one submission).

Conditions:
Neuropathy, hereditary sensory and autonomic, type 2A (HSAN2A). Also called: ACROOSTEOLYSIS, GIACCAI TYPE; ACROOSTEOLYSIS, NEUROGENIC; MORVAN DISEASE; NEUROPATHY, CONGENITAL SENSORY; NEUROPATHY, HEREDITARY SENSORY RADICULAR, AUTOSOMAL RECESSIVE; NEUROPATHY, HEREDITARY SENSORY, TYPE IIA. Identifiers: Orphanet 970, MedGen C2752089, MONDO:0024309, OMIM 201300.
Generalized epilepsy with febrile seizures plus, type 7 (GEFSP7). Also called: GEFS+, TYPE 7. Identifiers: Orphanet 36387, MedGen C2751778, MONDO:0013470, OMIM 613863.

Allele frequency attached by ClinVar (database versions not stated): gnomAD exomes below 0.00001.
gnomAD v4.1: 1 of 1,614,124 alleles (0.000062%); highest among the groups gnomAD compares: Non-Finnish European, 0.000085%; no homozygotes.

Submission:

Labcorp Genetics (formerly Invitae), Labcorp
Classification: Uncertain significance for Neuropathy, hereditary sensory and autonomic, type 2A; Generalized epilepsy with febrile seizures plus, type 7. Last evaluated: 2018-02-24. Review status: criteria provided, single submitter. Criteria: Invitae Variant Classification Sherloc (09022015). Collection method: clinical testing. Allele origin: germline.
Comment: In summary, the available evidence is currently insufficient to determine the role of this variant in disease. Therefore, it has been classified as a Variant of Uncertain Significance. Algorithms developed to predict the effect of missense changes on protein structure and function (SIFT, PolyPhen-2, Align-GVGD) all suggest that this variant is likely to be disruptive, but these predictions have not been confirmed by published functional studies and their clinical significance is uncertain. This variant has not been reported in the literature in individuals with SCN9A-related disease. This variant is not present in population databases (ExAC no frequency). This sequence change replaces phenylalanine with serine at codon 867 of the SCN9A protein (p.Phe867Ser). The phenylalanine residue is highly conserved and there is a large physicochemical difference between phenylalanine and serine.

NM_001365536.1(SCN9A):c.2633T>C (p.Phe878Ser)

Genes: SCN9A (sodium voltage-gated channel alpha subunit 9; minus strand), SCN1A-AS1 (SCN1A and SCN9A antisense RNA 1; plus strand). Cytogenetic location: 2q24.3.
Variant type: single nucleotide variant.
Coding change: c.2633T>C on transcript NM_001365536.1 (MANE Select); coding-DNA position 2633, T replaced by C.
Protein change: p.Phe878Ser; replaces phenylalanine 878 with serine.
Molecular consequence: missense variant. On other transcripts: non-coding transcript variant (1).
Genome position (GRCh38, 1-based): chr2:166,277,224, A>G on the plus strand (T>C on the coding strand, the complement: SCN9A is on the minus strand). VCF-style: chr2-166277224-A-G. GRCh37 (hg19) VCF-style: chr2-167133734-A-G.
Other names: c.2600T>C, p.Phe867Ser (NM_002977.4); short protein forms F867S, F878S.
Identifiers: ClinVar variation 579190 (VCV000579190.9), dbSNP rs1559002945, ClinGen allele CA349077919.
Genomic context (GRCh38, chr2:166,277,224, plus strand): 5'-TTGCAGACACATTCTTTGTAGCTCTTACCAAAGAGCTGCATGCCGACCACAGCAAAAATG[A>G]AGACGATGATGGCCAACACTAAGGTGAGGTTACCTAGAGCCCCTACTGAGTTACCAATGA-3'
Protein context (NP_001352465.1, residues 868-888): NLTLVLAIIV[Phe878Ser]IFAVVGMQLF